The following is an entry in ClinVar:

ClinVar aggregate classification (germline): Likely benign (1 of 4 stars; one submission).

Allele frequency attached by ClinVar (database versions not stated): gnomAD 0.00036; ExAC 0.00043; gnomAD exomes 0.00075; ESP Exome Variant Server 0.00077.
gnomAD v4.1: 1,169 of 1,614,258 alleles (0.072%); highest among the groups gnomAD compares: Non-Finnish European, 0.093%; no homozygotes.

Submission:

CeGaT Center for Human Genetics Tuebingen
Classification: Likely benign. Last evaluated: 2022-11-01. Review status: criteria provided, single submitter. Criteria: CeGaT Center For Human Genetics Tuebingen Variant Classification Criteria Version 2. Collection method: clinical testing. Allele origin: germline. Affected: yes. Observed: 1 variant allele.
Comment: ZNF17: BP4, BP7

NM_001330617.2(ZNF17):c.588A>G (p.Gln196=)

Gene: ZNF17 (zinc finger protein 17; plus strand). Cytogenetic location: 19q13.43.
Variant type: single nucleotide variant.
Coding change: c.588A>G on transcript NM_001330617.2 (MANE Select); coding-DNA position 588, A replaced by G.
Protein change: p.Gln196=; no amino-acid change (glutamine 196 retained).
Molecular consequence: synonymous variant.
Genome position (GRCh38, 1-based): chr19:57,420,074, A>G. VCF-style: chr19-57420074-A-G. GRCh37 (hg19) VCF-style: chr19-57931442-A-G.
Other names: c.582A>G, p.Gln194= (NM_006959.3).
Identifiers: ClinVar variation 2650571 (VCV002650571.24), dbSNP rs375032874, ClinGen allele CA9698622.